The following is an entry in ClinVar:

ClinVar aggregate classification (germline): Uncertain significance (1 of 4 stars; one submission).

Conditions:
Inborn genetic diseases. Identifiers: MedGen C0950123, MeSH D030342.

Submission:

Ambry Genetics
Classification: Uncertain significance for Inborn genetic diseases. Last evaluated: 2024-11-21. Review status: criteria provided, single submitter. Criteria: Ambry Variant Classification Scheme 2023. Collection method: clinical testing. Allele origin: germline.
Comment: The p.T315A variant (also known as c.943A>G), located in coding exon 4 of the PIK3CA gene, results from an A to G substitution at nucleotide position 943. The threonine at codon 315 is replaced by alanine, an amino acid with similar properties. This amino acid position is conserved. In addition, this alteration is predicted to be tolerated by in silico analysis. Based on the available evidence, the clinical significance of this variant remains unclear.

NM_006218.4(PIK3CA):c.943A>G (p.Thr315Ala)

Gene: PIK3CA (phosphatidylinositol-4,5-bisphosphate 3-kinase catalytic subunit alpha; plus strand). Cytogenetic location: 3q26.32.
Variant type: single nucleotide variant.
Coding change: c.943A>G on transcript NM_006218.4 (MANE Select); coding-DNA position 943, A replaced by G.
Protein change: p.Thr315Ala; replaces threonine 315 with alanine.
Molecular consequence: missense variant.
Genome position (GRCh38, 1-based): chr3:179,203,673, A>G. VCF-style: chr3-179203673-A-G. GRCh37 (hg19) VCF-style: chr3-178921461-A-G.
Other names: short protein forms T315A.
Identifiers: ClinVar variation 3418556 (VCV003418556.1).